The following is an entry in ClinVar:

ClinVar aggregate classification (germline): Pathogenic/Likely pathogenic. Review status: criteria provided, multiple submitters, no conflicts (2 of 4 stars). 2 submissions from 2 submitters: Pathogenic (1); Likely pathogenic (1). Last evaluated 2024-11-14.

Conditions:
Retinitis pigmentosa 39 (RP39). Identifiers: Orphanet 791, MedGen C3151138, MONDO:0013436, OMIM 613809.

Allele frequency attached by ClinVar (database versions not stated): gnomAD exomes below 0.00001.

Submissions (2):

Labcorp Genetics (formerly Invitae), Labcorp
Classification: Pathogenic. Last evaluated: 2024-11-14. Review status: criteria provided, single submitter. Criteria: Invitae Variant Classification Sherloc (09022015). Collection method: clinical testing. Allele origin: germline.
Comment: This sequence change creates a premature translational stop signal (p.Leu2151*) in the USH2A gene. It is expected to result in an absent or disrupted protein product. Loss-of-function variants in USH2A are known to be pathogenic (PMID: 10729113, 10909849, 20507924, 25649381). This variant is not present in population databases (gnomAD no frequency). This variant has not been reported in the literature in individuals affected with USH2A-related conditions. ClinVar contains an entry for this variant (Variation ID: 1070368). For these reasons, this variant has been classified as Pathogenic.

Baylor Genetics
Classification: Likely pathogenic for Retinitis pigmentosa 39. Last evaluated: 2023-09-19. Review status: criteria provided, single submitter. Criteria: ACMG Guidelines, 2015. Collection method: clinical testing. Allele origin: unknown.

Literature cited by the submitters: PubMed 10729113 (cited by Labcorp Genetics (formerly Invitae), Labcorp); PubMed 10909849 (cited by Labcorp Genetics (formerly Invitae), Labcorp); PubMed 20507924 (cited by Labcorp Genetics (formerly Invitae), Labcorp); PubMed 25649381 (cited by Labcorp Genetics (formerly Invitae), Labcorp).

NM_206933.4(USH2A):c.6451del (p.Val2150_Leu2151insTer)

Gene: USH2A (usherin; minus strand). Cytogenetic location: 1q41.
Variant type: Deletion.
Coding change: c.6451del on transcript NM_206933.4 (MANE Select); coding-DNA position 6451, one base deleted (C; older notation c.6451delC).
Protein change: p.Val2150_Leu2151insTer.
Molecular consequence: nonsense.
Genome position (GRCh38, 1-based): chr1:216,000,437, G deleted on the plus strand (C on the coding strand, the reverse complement: USH2A is on the minus strand). VCF-style (leftmost placement, unchanged base first): chr1-216000436-AG-A. GRCh37 (hg19) VCF-style: chr1-216173778-AG-A.
Identifiers: ClinVar variation 1070368 (VCV001070368.8), dbSNP rs2102483177, ClinGen allele CA2499214492.